The following is an entry in ClinVar:

NM_000302.4(PLOD1):c.742-2A>G

Gene: PLOD1 (procollagen-lysine,2-oxoglutarate 5-dioxygenase 1; plus strand). Cytogenetic location: 1p36.22.
Variant type: single nucleotide variant.
Coding change: c.742-2A>G on transcript NM_000302.4 (MANE Select); the canonical splice acceptor site of the intron before coding-DNA position 742, A replaced by G.
Molecular consequence: splice acceptor variant.
Genome position (GRCh38, 1-based): chr1:11,957,840, A>G. VCF-style: chr1-11957840-A-G. GRCh37 (hg19) VCF-style: chr1-12017897-A-G.
Other names: c.883-2A>G (NM_001316320.2); c.742-2A>G (NM_000302.3).
Identifiers: ClinVar variation 3780445 (VCV003780445.2).

ClinVar aggregate classification (germline): Conflicting classifications of pathogenicity. Review status: criteria provided, conflicting classifications (1 of 4 stars). 2 submissions from 2 submitters: Likely pathogenic (1); Uncertain significance (1). Last evaluated 2025-11-17.

Conditions:
Familial thoracic aortic aneurysm and aortic dissection (TAAD). Also called: Thoracic aortic aneurysms and dissections. Identifiers: Orphanet 91387, MedGen C4707243, MONDO:0019625.
Ehlers-Danlos syndrome, kyphoscoliotic type 1 (EDSKSCL1). Also called: Ehlers-Danlos syndrome, hydroxylysine-deficient; EHLERS-DANLOS SYNDROME, OCULAR-SCOLIOTIC TYPE; PLOD1-Related Kyphoscoliotic Ehlers-Danlos Syndrome; EHLERS-DANLOS SYNDROME, TYPE VIA. Identifiers: Orphanet 1900, MedGen C0268342, MONDO:0016002, OMIM 225400. Disease mechanism: loss of function.

gnomAD v4.1: 4 of 1,611,134 alleles (0.00025%); highest among the groups gnomAD compares: Non-Finnish European, 0.00034%; no homozygotes.

Submissions (2):

Ambry Genetics
Classification: Uncertain significance for Familial thoracic aortic aneurysm and aortic dissection. Last evaluated: 2025-11-17. Review status: criteria provided, single submitter. Criteria: Ambry Variant Classification Scheme 2023. Collection method: clinical testing. Allele origin: germline.
Comment: The c.742-2A>G intronic variant results from an A to G substitution two nucleotides before coding exon 8 in the PLOD1 gene. Alterations that disrupt the canonical splice site are expected to result in aberrant splicing. In silico splice site analysis predicts that this alteration will weaken the native splice acceptor site and will result in the creation or strengthening of a novel splice acceptor site. A resulting transcript is predicted to be in-frame and is not expected to trigger nonsense-mediated mRNAdecay; although, direct evidence is unavailable. This nucleotide position is highly conserved in available vertebrate species. Based on the available evidence, the clinical significance of this variant remains unclear.

Department of Pathology and Laboratory Medicine, Sinai Health System
Classification: Likely pathogenic for Ehlers-Danlos syndrome, kyphoscoliotic type 1. Last evaluated: 2023-08-10. Review status: criteria provided, single submitter. Criteria: ACMG Guidelines, 2015. Collection method: research. Allele origin: germline.